The following is an entry in ClinVar:

ClinVar aggregate classification (germline): Uncertain significance. Review status: criteria provided, multiple submitters, no conflicts (2 of 4 stars). 3 submissions from 3 submitters: Uncertain significance (3). Last evaluated 2023-10-03.

Conditions:
Inborn genetic diseases. Identifiers: MedGen C0950123, MeSH D030342.

Allele frequency attached by ClinVar (database versions not stated): gnomAD 0.00015 and 0.00016; TOPMed 0.00016; ESP Exome Variant Server 0.00023; ExAC 0.00027; gnomAD exomes 0.00033 and 0.00034.
gnomAD v4.1: 529 of 1,614,128 alleles (0.033%); highest among the groups gnomAD compares: South Asian, 0.11%; 2 homozygotes.

Submissions (3):

Labcorp Genetics (formerly Invitae), Labcorp
Classification: Uncertain significance. Last evaluated: 2023-10-03. Review status: criteria provided, single submitter. Criteria: Invitae Variant Classification Sherloc (09022015). Collection method: clinical testing. Allele origin: germline.
Comment: This sequence change replaces isoleucine, which is neutral and non-polar, with valine, which is neutral and non-polar, at codon 69 of the PUS3 protein (p.Ile69Val). This variant is present in population databases (rs148523530, gnomAD 0.1%). This variant has not been reported in the literature in individuals affected with PUS3-related conditions. ClinVar contains an entry for this variant (Variation ID: 1388224). Advanced modeling of protein sequence and biophysical properties (such as structural, functional, and spatial information, amino acid conservation, physicochemical variation, residue mobility, and thermodynamic stability) performed at Invitae indicates that this missense variant is not expected to disrupt PUS3 protein function. In summary, the available evidence is currently insufficient to determine the role of this variant in disease. Therefore, it has been classified as a Variant of Uncertain Significance.

GeneDx
Classification: Uncertain significance. Last evaluated: 2022-03-26. Review status: criteria provided, single submitter. Criteria: GeneDx Variant Classification Process June 2021. Collection method: clinical testing. Allele origin: germline. Affected: yes.
Comment: In silico analysis supports that this variant does not alter splicing; Has not been previously published as pathogenic or benign to our knowledge

Ambry Genetics
Classification: Uncertain significance for Inborn genetic diseases. Last evaluated: 2020-12-29. Review status: criteria provided, single submitter. Criteria: Ambry Variant Classification Scheme 2023. Collection method: clinical testing. Allele origin: germline.
Comment: The c.205A>G (p.I69V) alteration is located in exon 2 (coding exon 1) of the PUS3 gene. This alteration results from a A to G substitution at nucleotide position 205, causing the isoleucine (I) at amino acid position 69 to be replaced by a valine (V). The p.I69V alteration is predicted to be tolerated by in silico analysis. Based on insufficient or conflicting evidence, the clinical significance of this alteration remains unclear.

NM_031307.4(PUS3):c.205A>G (p.Ile69Val)

Genes: HYLS1 (HYLS1 centriolar and ciliogenesis associated; plus strand), PUS3 (pseudouridine synthase 3; minus strand). Cytogenetic location: 11q24.2.
Variant type: single nucleotide variant.
Coding change: c.205A>G on transcript NM_031307.4 (MANE Select); coding-DNA position 205, A replaced by G.
Protein change: p.Ile69Val; replaces isoleucine 69 with valine.
Molecular consequence: missense variant. On other transcripts: intron variant (6).
Genome position (GRCh38, 1-based): chr11:125,896,080, T>C on the plus strand (A>G on the coding strand, the complement: PUS3 is on the minus strand). VCF-style: chr11-125896080-T-C. GRCh37 (hg19) VCF-style: chr11-125765975-T-C.
Other names: c.-80-3024T>C (NM_145014.3); c.-25-3264T>C (NM_001134793.2, NM_001377269.1); c.-22-3267T>C (NM_001424364.1, NM_001377270.1); c.-246-291A>G (NM_001271985.2); short protein forms I69V.
Identifiers: ClinVar variation 1388224 (VCV001388224.6), dbSNP rs148523530, ClinGen allele CA6350575.